The following is an entry in ClinVar:

ClinVar aggregate classification (germline): Conflicting classifications of pathogenicity. Review status: criteria provided, conflicting classifications (1 of 4 stars). 2 submissions from 2 submitters: Uncertain significance (1); Likely benign (1). Last evaluated 2025-08-29.

Conditions:
Rubinstein-Taybi syndrome due to CREBBP mutations (RSTS1). Also called: RUBINSTEIN-TAYBI SYNDROME 1, INCOMPLETE; BROAD THUMB-HALLUX SYNDROME; RUBINSTEIN SYNDROME; CREBBP-Related Rubinstein-Taybi Syndrome; Rubinstein-Taybi syndrome 1; BROAD THUMBS AND GREAT TOES, CHARACTERISTIC FACIES, AND IMPAIRED INTELLECTUAL DEVELOPMENT. Identifiers: Orphanet 353277, Orphanet 783, MedGen C4551859, MONDO:0008393, OMIM 180849.
Rubinstein-Taybi syndrome (RSTS). Identifiers: Orphanet 783, MedGen C0035934, MONDO:0019188.

Allele frequency attached by ClinVar (database versions not stated): TOPMed 0.00001.

Submissions (2):

Labcorp Genetics (formerly Invitae), Labcorp
Classification: Uncertain significance for Rubinstein-Taybi syndrome. Last evaluated: 2025-08-29. Review status: criteria provided, single submitter. Criteria: Invitae Variant Classification Sherloc (09022015). Collection method: clinical testing. Allele origin: germline.
Comment: This sequence change replaces threonine, which is neutral and polar, with asparagine, which is neutral and polar, at codon 1250 of the CREBBP protein (p.Thr1250Asn). This variant is not present in population databases (gnomAD no frequency). This variant has not been reported in the literature in individuals affected with CREBBP-related conditions. ClinVar contains an entry for this variant (Variation ID: 1805175). Invitae Evidence Modeling of protein sequence and biophysical properties (such as structural, functional, and spatial information, amino acid conservation, physicochemical variation, residue mobility, and thermodynamic stability) indicates that this missense variant is not expected to disrupt CREBBP protein function with a negative predictive value of 95%. In summary, the available evidence is currently insufficient to determine the role of this variant in disease. Therefore, it has been classified as a Variant of Uncertain Significance.

Victorian Clinical Genetics Services, Murdoch Childrens Research Institute
Classification: Likely benign for Rubinstein-Taybi syndrome due to CREBBP mutations. Last evaluated: 2023-07-17. Review status: criteria provided, single submitter. Criteria: ACMG Guidelines, 2015. Collection method: clinical testing. Allele origin: germline. Inheritance: Autosomal dominant inheritance. Affected: yes.
Comment: Based on the classification scheme VCGS_Germline_v1.3.4, this variant is classified as Likely benign. Following criteria are met: 0102 - Loss of function is a known mechanism of disease in this gene and is associated with Menke-Hennekam syndrome 1 (MIM#618332) and Rubinstein-Taybi syndrome 1 (MIM#180849). (I) 0107 - This gene is associated with autosomal dominant disease. (I) 0200 - Variant is predicted to result in a missense amino acid change from threonine to asparagine. (I) 0251 - This variant is heterozygous. (I) 0301 - Variant is absent from gnomAD (both v2 and v3). (SP) 0502 - Missense variant with conflicting in silico predictions and uninformative conservation. (I) 0603 - Missense variant in a region that is highly intolerant to missense variation (high constraint region in DECIPHER). (SP) 0705 - No comparable missense variants have previous evidence for pathogenicity. (I) 0807 - This variant has no previous evidence of pathogenicity. (I) 0904 - Non-segregation of this variant with the phenotype under investigation has been clearly demonstrated. (SB) 1007 - No published functional evidence has been identified for this variant. (I) Legend: (SP) - Supporting pathogenic, (I) - Information, (SB) - Supporting benign

NM_004380.3(CREBBP):c.3749C>A (p.Thr1250Asn)

Gene: CREBBP (CREB binding lysine acetyltransferase; minus strand). Cytogenetic location: 16p13.3.
Variant type: single nucleotide variant.
Coding change: c.3749C>A on transcript NM_004380.3 (MANE Select); coding-DNA position 3749, C replaced by A.
Protein change: p.Thr1250Asn; replaces threonine 1250 with asparagine.
Molecular consequence: missense variant.
Genome position (GRCh38, 1-based): chr16:3,751,756, G>T on the plus strand (C>A on the coding strand, the complement: CREBBP is on the minus strand). VCF-style: chr16-3751756-G-T. GRCh37 (hg19) VCF-style: chr16-3801757-G-T.
Other names: c.3635C>A, p.Thr1212Asn (NM_001079846.1); short protein forms T1212N, T1250N.
Identifiers: ClinVar variation 1805175 (VCV001805175.3), dbSNP rs1567282634, ClinGen allele CA394568026.